The following is an entry in ClinVar:

NM_133433.4(NIPBL):c.63_64insTT (p.Leu22fs)

Gene: NIPBL (NIPBL cohesin loading factor; plus strand). Cytogenetic location: 5p13.2.
Variant type: Insertion.
Coding change: c.63_64insTT on transcript NM_133433.4 (MANE Select); coding-DNA positions 63 to 64, TT inserted.
Protein change: p.Leu22fs; shifts the reading frame from leucine 22.
Molecular consequence: frameshift variant.
Genome position: GRCh38 VCF-style: chr5-36953759-C-CTT. GRCh37 (hg19) VCF-style: chr5-36953861-C-CTT.
Other names: c.63_64insTT, p.Leu22fs (NM_015384.5); short protein forms L22fs.
Identifiers: ClinVar variation 4056668 (VCV004056668.1).

ClinVar aggregate classification (germline): Likely pathogenic (1 of 4 stars; one submission).

Conditions:
Cornelia de Lange syndrome 1 (CDLS1). Also called: TYPUS DEGENERATIVUS AMSTELODAMENSIS; Brachmann de Lange syndrome; NIPBL-Related Cornelia de Lange Syndrome. Identifiers: Orphanet 199, MedGen C4551851, MONDO:0007387, OMIM 122470.

Submission:

Laboratorio de Genetica e Diagnostico Molecular, Hospital Israelita Albert Einstein
Classification: Likely pathogenic for Cornelia de Lange syndrome 1. Last evaluated: 2024-06-07. Review status: criteria provided, single submitter. Criteria: ACMG Guidelines, 2015. Collection method: clinical testing. Allele origin: germline. Affected: yes.
Comment: ACMG classification criteria: PVS1 very strong, PM2 supporting